The following is an entry in ClinVar:

NM_002449.5(MSX2):c.475C>T (p.Arg159Cys)

Gene: MSX2 (msh homeobox 2; plus strand). Cytogenetic location: 5q35.2.
Variant type: single nucleotide variant.
Coding change: c.475C>T on transcript NM_002449.5 (MANE Select); coding-DNA position 475, C replaced by T.
Protein change: p.Arg159Cys; replaces arginine 159 with cysteine.
Molecular consequence: missense variant. On other transcripts: 3 prime UTR variant (1).
Genome position (GRCh38, 1-based): chr5:174,729,254, C>T. VCF-style: chr5-174729254-C-T. GRCh37 (hg19) VCF-style: chr5-174156257-C-T.
Other names: c.*99C>T (NM_001363626.2); c.475C>T (NM_002449.4); short protein forms R159C.
Identifiers: ClinVar variation 3683774 (VCV003683774.3).

ClinVar aggregate classification (germline): Uncertain significance. Review status: criteria provided, multiple submitters, no conflicts (2 of 4 stars). 2 submissions from 2 submitters: Uncertain significance (2). Last evaluated 2026-06-25.

Conditions:
Cranium bifidum occultum. Also called: CATLIN MARKS; Enlarged Parietal Foramina; CRANIUM BIFIDUM, HEREDITARY. Identifiers: MedGen C1868598, HP:0004423.
MSX2-related disorder. Also called: MSX2-related condition.

Submissions (2):

PreventionGenetics, part of Exact Sciences
Classification: Uncertain significance for MSX2-related condition. Last evaluated: 2026-06-25. Review status: criteria provided, single submitter. Criteria: ACMG Guidelines, 2015. Collection method: clinical testing. Allele origin: germline.
Comment: The MSX2 c.475C>T variant is predicted to result in the amino acid substitution p.Arg159Cys. To our knowledge, this variant has not been reported in the literature. This variant is reported in 0.0015% of alleles in individuals of European (non-Finnish) descent in gnomAD. An overlapping in-frame deletion of residues p.Arg159_p.Lys160 has been reported in two family members with enlarged parietal foramina (Wilkie et al. 2000. PubMed ID: 10742103). At this time, the clinical significance of this variant is uncertain due to the absence of conclusive functional and genetic evidence.

Labcorp Genetics (formerly Invitae), Labcorp
Classification: Uncertain significance for Cranium bifidum occultum. Last evaluated: 2024-04-16. Review status: criteria provided, single submitter. Criteria: Invitae Variant Classification Sherloc (09022015). Collection method: clinical testing. Allele origin: germline.
Comment: This sequence change replaces arginine, which is basic and polar, with cysteine, which is neutral and slightly polar, at codon 159 of the MSX2 protein (p.Arg159Cys). This variant is present in population databases (rs773491812, gnomAD 0.007%). This variant has not been reported in the literature in individuals affected with MSX2-related conditions. Advanced modeling of protein sequence and biophysical properties (such as structural, functional, and spatial information, amino acid conservation, physicochemical variation, residue mobility, and thermodynamic stability) performed at Invitae indicates that this missense variant is expected to disrupt MSX2 protein function with a positive predictive value of 80%. In summary, the available evidence is currently insufficient to determine the role of this variant in disease. Therefore, it has been classified as a Variant of Uncertain Significance.